The following is an entry in ClinVar:

NM_002069.6(GNAI1):c.588T>C (p.Phe196=)

Gene: GNAI1 (G protein subunit alpha i1; plus strand). Cytogenetic location: 7q21.11.
Variant type: single nucleotide variant.
Coding change: c.588T>C on transcript NM_002069.6 (MANE Select); coding-DNA position 588, T replaced by C.
Protein change: p.Phe196=; no amino-acid change (phenylalanine 196 retained).
Molecular consequence: synonymous variant.
Genome position (GRCh38, 1-based): chr7:80,203,830, T>C. VCF-style: chr7-80203830-T-C. GRCh37 (hg19) VCF-style: chr7-79833146-T-C.
Other names: c.432T>C, p.Phe144= (NM_001256414.2).
Identifiers: ClinVar variation 4822802 (VCV004822802.4).

ClinVar aggregate classification (germline): Likely benign (1 of 4 stars; one submission).

gnomAD v4.1: 1 of 1,523,650 alleles (0.000066%); highest among the groups gnomAD compares: Non-Finnish European, 0.00009%; no homozygotes.

Submission:

CeGaT Center for Human Genetics Tuebingen
Classification: Likely benign. Last evaluated: 2025-12-01. Review status: criteria provided, single submitter. Criteria: CeGaT Center For Human Genetics Tuebingen Variant Classification Criteria Version 2. Collection method: clinical testing. Allele origin: germline. Affected: yes. Observed: 1 variant allele.
Comment: GNAI1: PM2, BP4, BS2